The following is an entry in ClinVar:

NM_002184.4(IL6ST):c.315T>G (p.Ile105Met)

Gene: IL6ST (interleukin 6 cytokine family signal transducer; minus strand). Cytogenetic location: 5q11.2.
Variant type: single nucleotide variant.
Coding change: c.315T>G on transcript NM_002184.4 (MANE Select); coding-DNA position 315, T replaced by G.
Protein change: p.Ile105Met; replaces isoleucine 105 with methionine.
Molecular consequence: missense variant. On other transcripts: 5 prime UTR variant (3), non-coding transcript variant (2), intron variant (1).
Genome position (GRCh38, 1-based): chr5:55,969,605, A>C on the plus strand (T>G on the coding strand, the complement: IL6ST is on the minus strand). VCF-style: chr5-55969605-A-C. GRCh37 (hg19) VCF-style: chr5-55265433-A-C.
Other names: c.315T>G, p.Ile105Met (NM_001190981.2, NM_001364275.2, NM_175767.3); c.-478T>G (NM_001364277.2, NM_001364279.2); c.-468T>G (NM_001364278.2); c.160+155T>G (NM_001364276.2); short protein forms I105M.
Identifiers: ClinVar variation 2419164 (VCV002419164.6), dbSNP rs1752839391, ClinGen allele CA359770047.

ClinVar aggregate classification (germline): Uncertain significance (1 of 4 stars; one submission).

Allele frequency attached by ClinVar (database versions not stated): gnomAD 0.00001; gnomAD exomes 0.00001.
gnomAD v4.1: 13 of 1,613,248 alleles (0.00081%); highest among the groups gnomAD compares: Non-Finnish European, 0.001%; no homozygotes.

Submission:

Labcorp Genetics (formerly Invitae), Labcorp
Classification: Uncertain significance. Last evaluated: 2024-10-21. Review status: criteria provided, single submitter. Criteria: Invitae Variant Classification Sherloc (09022015). Collection method: clinical testing. Allele origin: germline.
Comment: This sequence change replaces isoleucine, which is neutral and non-polar, with methionine, which is neutral and non-polar, at codon 105 of the IL6ST protein (p.Ile105Met). This variant is not present in population databases (gnomAD no frequency). This variant has not been reported in the literature in individuals affected with IL6ST-related conditions. ClinVar contains an entry for this variant (Variation ID: 2419164). An algorithm developed to predict the effect of missense changes on protein structure and function (PolyPhen-2) suggests that this variant is likely to be tolerated. In summary, the available evidence is currently insufficient to determine the role of this variant in disease. Therefore, it has been classified as a Variant of Uncertain Significance.